The following is an entry in ClinVar:

ClinVar aggregate classification (germline): Benign. Review status: criteria provided, multiple submitters, no conflicts (2 of 4 stars). 4 submissions from 4 submitters: Benign (4). Last evaluated 2024-11-26.

Allele frequency attached by ClinVar (database versions not stated): ExAC below 0.00001; gnomAD exomes 0.03145; 1000 Genomes Project 0.30751.

Submissions (4):

Blueprint Genetics
Classification: Benign. Last evaluated: 2024-11-26. Review status: criteria provided, single submitter. Criteria: ACMG Guidelines, 2015. Collection method: clinical testing. Allele origin: germline.

GeneDx
Classification: Benign. Last evaluated: 2016-01-05. Review status: criteria provided, single submitter. Criteria: GeneDx Variant Classification (06012015). Collection method: clinical testing. Allele origin: germline. Affected: yes.
Comment: This variant is considered likely benign or benign based on one or more of the following criteria: it is a conservative change, it occurs at a poorly conserved position in the protein, it is predicted to be benign by multiple in silico algorithms, and/or has population frequency not consistent with disease.

Breakthrough Genomics
Classification: Benign. Review status: criteria provided, single submitter. Criteria: ACMG Guidelines, 2015. Collection method: not provided. Allele origin: germline. Inheritance: Autosomal recessive inheritance. Affected: yes.

PreventionGenetics, part of Exact Sciences
Classification: Benign. Review status: criteria provided, single submitter. Criteria: ACMG Guidelines, 2015. Collection method: clinical testing. Allele origin: germline.

NM_001164508.2(NEB):c.16704+12G>C

Gene: NEB (nebulin; minus strand). Cytogenetic location: 2q23.3.
Variant type: single nucleotide variant.
Coding change: c.16704+12G>C on transcript NM_001164508.2 (MANE Select); 12 bases into the intron after coding-DNA position 16704, G replaced by C.
Molecular consequence: intron variant.
Genome position (GRCh38, 1-based): chr2:151,579,326, C>G on the plus strand (G>C on the coding strand, the complement: NEB is on the minus strand). VCF-style: chr2-151579326-C-G. GRCh37 (hg19) VCF-style: chr2-152435840-C-G.
Other names: c.11602-2972G>C (NM_004543.5); c.16704+12G>C (NM_001164507.2, NM_001271208.2).
Identifiers: ClinVar variation 257766 (VCV000257766.4), dbSNP rs62174689, ClinGen allele CA1908403.
Genomic context (GRCh38, chr2:151,579,326, plus strand): 5'-GTGTTTTCAGAGCATTGGAAGGAGCCATCAGGCAAAGCAATGGGGGACTTGTTTCCTGGG[C>G]GACACACTTACGTCGCTCTGTAGGTCGTAGGCTTTCCTGGCTTGGATCACATCATTCTGG-3'